The following is an entry in ClinVar:

NM_173354.5(SIK1):c.710T>C (p.Leu237Pro)

Gene: SIK1 (salt inducible kinase 1; minus strand). Cytogenetic location: 21q22.3.
Variant type: single nucleotide variant.
Coding change: c.710T>C on transcript NM_173354.5 (MANE Select); coding-DNA position 710, T replaced by C.
Protein change: p.Leu237Pro; replaces leucine 237 with proline.
Molecular consequence: missense variant.
Genome position (GRCh38, 1-based): chr21:43,421,048, A>G on the plus strand (T>C on the coding strand, the complement: SIK1 is on the minus strand). VCF-style: chr21-43421048-A-G. GRCh37 (hg19) VCF-style: chr21-44840928-A-G.
Other names: c.710T>C (NM_173354.3); short protein forms L237P.
Identifiers: ClinVar variation 1367758 (VCV001367758.7), dbSNP rs929465231, ClinGen allele CA321327363.

ClinVar aggregate classification (germline): Uncertain significance. Review status: criteria provided, multiple submitters, no conflicts (2 of 4 stars). 2 submissions from 2 submitters: Uncertain significance (2). Last evaluated 2023-09-29.

Conditions:
Inborn genetic diseases. Identifiers: MedGen C0950123, MeSH D030342.
Developmental and epileptic encephalopathy, 30 (DEE30). Also called: Epileptic encephalopathy, early infantile, 30. Identifiers: MedGen C4225360, MONDO:0014595, OMIM 616341.

Submissions (2):

Ambry Genetics
Classification: Uncertain significance for Inborn genetic diseases. Last evaluated: 2023-09-29. Review status: criteria provided, single submitter. Criteria: Ambry Variant Classification Scheme 2023. Collection method: clinical testing. Allele origin: germline.

Labcorp Genetics (formerly Invitae), Labcorp
Classification: Uncertain significance for Developmental and epileptic encephalopathy, 30. Last evaluated: 2021-11-12. Review status: criteria provided, single submitter. Criteria: Invitae Variant Classification Sherloc (09022015). Collection method: clinical testing. Allele origin: germline.
Comment: In summary, the available evidence is currently insufficient to determine the role of this variant in disease. Therefore, it has been classified as a Variant of Uncertain Significance. Advanced modeling of protein sequence and biophysical properties (such as structural, functional, and spatial information, amino acid conservation, physicochemical variation, residue mobility, and thermodynamic stability) performed at Invitae indicates that this missense variant is not expected to disrupt SIK1 protein function. This variant has not been reported in the literature in individuals affected with SIK1-related conditions. This variant is not present in population databases (gnomAD no frequency). This sequence change replaces leucine, which is neutral and non-polar, with proline, which is neutral and non-polar, at codon 237 of the SIK1 protein (p.Leu237Pro).